The following is an entry in ClinVar:

NM_000052.7(ATP7A):c.2531G>A (p.Arg844His)

Gene: ATP7A (ATPase copper transporting alpha; plus strand). Cytogenetic location: Xq21.1.
Variant type: single nucleotide variant.
Coding change: c.2531G>A on transcript NM_000052.7 (MANE Select); coding-DNA position 2531, G replaced by A.
Protein change: p.Arg844His; replaces arginine 844 with histidine.
Molecular consequence: missense variant.
Genome position (GRCh38, 1-based): chrX:78,015,786, G>A. VCF-style: chrX-78015786-G-A. GRCh37 (hg19) VCF-style: chrX-77271283-G-A.
Other names: p.Arg844His; c.2297G>A, p.Arg766His (NM_001282224.2); short protein forms R844H, R766H.
Identifiers: ClinVar variation 243112 (VCV000243112.60), dbSNP rs367775730, ClinGen allele CA10459291.

ClinVar aggregate classification (germline): Conflicting classifications of pathogenicity. Review status: criteria provided, conflicting classifications (1 of 4 stars). 8 submissions from 8 submitters: Uncertain significance (1); Benign (3); Likely benign (3). 1 of the submissions does not count toward it. Last evaluated 2026-02-02.

Conditions:
ATP7A-related disorder. Also called: ATP7A-related condition.
Inborn genetic diseases. Identifiers: MedGen C0950123, MeSH D030342.
X-linked distal spinal muscular atrophy type 3. Also called: SPINAL MUSCULAR ATROPHY, DISTAL, X-LINKED RECESSIVE; ATP7A-Related Distal Motor Neuropathy; NEURONOPATHY, DISTAL HEREDITARY MOTOR, X-LINKED; NEUROPATHY, DISTAL HEREDITARY MOTOR, X-LINKED. Identifiers: Orphanet 139557, MedGen C1845359, MONDO:0010338, OMIM 300489.
Cutis laxa, X-linked (OHS). Also called: EDS IX; Occipital horn syndrome. Identifiers: Orphanet 198, MedGen C0268353, MONDO:0010572, OMIM 304150.
Menkes kinky-hair syndrome (MNK). Also called: Menkes Disease; Classic Menkes Disease; Copper transport disease. Identifiers: Orphanet 565, MedGen C0022716, MONDO:0010651, OMIM 309400.

Allele frequency attached by ClinVar (database versions not stated): gnomAD 0.00008 and 0.00009; TOPMed 0.00011; gnomAD exomes 0.00012 and 0.00021; ExAC 0.00022; ESP Exome Variant Server 0.00038.
gnomAD v4.1: 146 of 1,209,817 alleles (0.012%); highest among the groups gnomAD compares: Non-Finnish European, 0.005%; 1 homozygote.

Submissions (8):

Labcorp Genetics (formerly Invitae), Labcorp
Classification: Benign for X-linked distal spinal muscular atrophy type 3; Cutis laxa, X-linked; Menkes kinky-hair syndrome. Last evaluated: 2026-02-02. Review status: criteria provided, single submitter. Criteria: Invitae Variant Classification Sherloc (09022015). Collection method: clinical testing. Allele origin: germline.

PreventionGenetics, part of Exact Sciences
Classification: Likely benign for ATP7A-related condition. Last evaluated: 2025-09-08. Review status: criteria provided, single submitter. Criteria: ACMG Guidelines, 2015. Collection method: clinical testing. Allele origin: germline.
Comment: This variant is classified as likely benign based on ACMG/AMP sequence variant interpretation guidelines (Richards et al. 2015 PMID: 25741868, with internal and published modifications).

Mayo Clinic Laboratories, Mayo Clinic
Classification: Likely benign. Last evaluated: 2025-02-12. Review status: criteria provided, single submitter. Criteria: ACMG Guidelines, 2015. Collection method: clinical testing. Allele origin: germline. Observed: 1 variant allele.
Comment: BS1, BS2, PP3_strong, PS3_supporting

CeGaT Center for Human Genetics Tuebingen
Classification: Likely benign. Last evaluated: 2025-02-01. Review status: criteria provided, single submitter. Criteria: CeGaT Center For Human Genetics Tuebingen Variant Classification Criteria Version 2. Collection method: clinical testing. Allele origin: germline. Affected: yes. Observed: 4 variant alleles.
Comment: ATP7A: PP3, PS3:Supporting, BS1:Supporting, BS2

Revvity Omics, Revvity
Classification: Uncertain significance. Last evaluated: 2021-12-01. Review status: criteria provided, single submitter. Criteria: ACMG Guidelines, 2015. Collection method: clinical testing. Allele origin: germline.

Ambry Genetics
Classification: Benign for Inborn genetic diseases. Last evaluated: 2021-10-21. Review status: criteria provided, single submitter. Criteria: Ambry Variant Classification Scheme 2023. Collection method: clinical testing. Allele origin: germline.

GeneDx
Classification: Benign. Last evaluated: 2018-10-05. Review status: criteria provided, single submitter. Criteria: GeneDx Variant Classification Process June 2021. Collection method: clinical testing. Allele origin: germline. Affected: yes.
Comment: This variant is associated with the following publications: (PMID: 28389643, 17717039, 19501626, 7943608, 3234433, 15981243, 20420124)

Inherited Neuropathy Consortium Ii, University Of Miami
Classification: Uncertain significance for Menkes kinky-hair syndrome. Last evaluated: 2016-01-06. Review status: no assertion criteria provided. Collection method: literature only. Allele origin: germline. Affected: yes. Not counted in ClinVar's aggregate classification.

Literature cited by the submitters: PubMed 15981243 (cited by Mayo Clinic Laboratories, Mayo Clinic); PubMed 20420124 (cited by Mayo Clinic Laboratories, Mayo Clinic); PubMed 28389643 (cited by Mayo Clinic Laboratories, Mayo Clinic); PubMed 3234433 (cited by Mayo Clinic Laboratories, Mayo Clinic); PubMed 32994893 (cited by Mayo Clinic Laboratories, Mayo Clinic); PubMed 34958143 (cited by Mayo Clinic Laboratories, Mayo Clinic); PubMed 36995557 (cited by Mayo Clinic Laboratories, Mayo Clinic); PubMed 7943608 (cited by Mayo Clinic Laboratories, Mayo Clinic); PubMed 8981948 (cited by Inherited Neuropathy Consortium Ii, University Of Miami).